The following is an entry in ClinVar:

NM_001004356.3(FGFRL1):c.1330G>A (p.Val444Met)

Gene: FGFRL1 (fibroblast growth factor receptor like 1; plus strand). Cytogenetic location: 4p16.3.
Variant type: single nucleotide variant.
Coding change: c.1330G>A on transcript NM_001004356.3 (MANE Select); coding-DNA position 1330, G replaced by A.
Protein change: p.Val444Met; replaces valine 444 with methionine.
Molecular consequence: missense variant.
Genome position (GRCh38, 1-based): chr4:1,025,162, G>A. VCF-style: chr4-1025162-G-A. GRCh37 (hg19) VCF-style: chr4-1018950-G-A.
Other names: c.1330G>A, p.Val444Met (NM_001004358.1, NM_001370296.1, NM_021923.3); short protein forms V444M.
Identifiers: ClinVar variation 1383654 (VCV001383654.6), dbSNP rs1024633571, ClinGen allele CA91133202.

ClinVar aggregate classification (germline): Uncertain significance (1 of 4 stars; one submission).

Allele frequency attached by ClinVar (database versions not stated): gnomAD exomes 0.00001 and 0.00002; TOPMed 0.00001.
gnomAD v4.1: 5 of 1,610,530 alleles (0.00031%); highest among the groups gnomAD compares: Admixed American, 0.0084%; no homozygotes.

Submission:

Labcorp Genetics (formerly Invitae), Labcorp
Classification: Uncertain significance. Last evaluated: 2023-10-11. Review status: criteria provided, single submitter. Criteria: Invitae Variant Classification Sherloc (09022015). Collection method: clinical testing. Allele origin: germline.
Comment: This sequence change replaces valine, which is neutral and non-polar, with methionine, which is neutral and non-polar, at codon 444 of the FGFRL1 protein (p.Val444Met). This variant is present in population databases (no rsID available, gnomAD 0.02%). This variant has not been reported in the literature in individuals affected with FGFRL1-related conditions. ClinVar contains an entry for this variant (Variation ID: 1383654). Algorithms developed to predict the effect of missense changes on protein structure and function output the following: SIFT: "Not Available"; PolyPhen-2: "Benign"; Align-GVGD: "Not Available". The methionine amino acid residue is found in multiple mammalian species, which suggests that this missense change does not adversely affect protein function. In summary, the available evidence is currently insufficient to determine the role of this variant in disease. Therefore, it has been classified as a Variant of Uncertain Significance.